The following is an entry in ClinVar:

NM_000116.5(TAFAZZIN):c.742G>A (p.Val248Ile)

Gene: TAFAZZIN (tafazzin, phospholipid-lysophospholipid transacylase; plus strand). Cytogenetic location: Xq28.
Variant type: single nucleotide variant.
Coding change: c.742G>A on transcript NM_000116.5 (MANE Select); coding-DNA position 742, G replaced by A.
Protein change: p.Val248Ile; replaces valine 248 with isoleucine.
Molecular consequence: missense variant. On other transcripts: non-coding transcript variant (1).
Genome position (GRCh38, 1-based): chrX:154,420,700, G>A. VCF-style: chrX-154420700-G-A. GRCh37 (hg19) VCF-style: chrX-153649039-G-A.
Other names: c.754G>A, p.Val252Ile (NM_001303465.2); c.706G>A, p.Val236Ile (NM_001410698.1); c.796G>A, p.Val266Ile (NM_001440856.1); c.664G>A, p.Val222Ile (NM_001440857.1); c.529G>A, p.Val177Ile (NM_001440858.1); c.652G>A, p.Val218Ile (NM_181311.4); c.700G>A, p.Val234Ile (NM_181312.4); c.610G>A, p.Val204Ile (NM_181313.4); short protein forms V248I, V252I, V177I, V218I, V266I, V236I, V204I, V222I.
Identifiers: ClinVar variation 4739571 (VCV004739571.1).
Genomic context (GRCh38, chrX:154,420,700, plus strand): 5'-TTGGCGGCCACCCCACAGAAAATCACTGTGCTGATCGGGAAGCCCTTCAGTGCCCTGCCT[G>A]TACTCGAGCGGCTCCGGGCGGAGAACAAGTCGGCTGTGAGTTTCCTCCTGGGTCCCCCGT-3'
Protein context (NP_000107.1, residues 238-258): LIGKPFSALP[Val248Ile]LERLRAENKS

ClinVar aggregate classification (germline): Uncertain significance (1 of 4 stars; one submission).

Conditions:
3-Methylglutaconic aciduria type 2 (BTHS). Also called: CARDIOSKELETAL MYOPATHY WITH NEUTROPENIA AND ABNORMAL MITOCHONDRIA; Barth syndrome. Identifiers: Orphanet 111, MedGen C0574083, MONDO:0010543, OMIM 302060.

gnomAD v4.1: 4 of 1,209,267 alleles (0.00033%); highest among the groups gnomAD compares: African/African-American, 0.0018%; no homozygotes.

Submission:

Labcorp Genetics (formerly Invitae), Labcorp
Classification: Uncertain significance for 3-Methylglutaconic aciduria type 2. Last evaluated: 2025-08-29. Review status: criteria provided, single submitter. Criteria: Invitae Variant Classification Sherloc (09022015). Collection method: clinical testing. Allele origin: germline.
Comment: This sequence change replaces valine, which is neutral and non-polar, with isoleucine, which is neutral and non-polar, at codon 248 of the TAZ protein (p.Val248Ile). This variant is present in population databases (no rsID available, gnomAD 0.02%). This variant has not been reported in the literature in individuals affected with TAZ-related conditions. An algorithm developed to predict the effect of missense changes on protein structure and function (PolyPhen-2) suggests that this variant is likely to be tolerated. In summary, the available evidence is currently insufficient to determine the role of this variant in disease. Therefore, it has been classified as a Variant of Uncertain Significance.